The following is an entry in ClinVar:

NM_004336.5(BUB1):c.410A>G (p.Gln137Arg)

Gene: BUB1 (BUB1 mitotic checkpoint serine/threonine kinase; minus strand). Cytogenetic location: 2q13.
Variant type: single nucleotide variant.
Coding change: c.410A>G on transcript NM_004336.5 (MANE Select); coding-DNA position 410, A replaced by G.
Protein change: p.Gln137Arg; replaces glutamine 137 with arginine.
Molecular consequence: missense variant.
Genome position (GRCh38, 1-based): chr2:110,672,673, T>C on the plus strand (A>G on the coding strand, the complement: BUB1 is on the minus strand). VCF-style: chr2-110672673-T-C. GRCh37 (hg19) VCF-style: chr2-111430250-T-C.
Other names: c.350A>G, p.Gln117Arg (NM_001278616.2); c.410A>G, p.Gln137Arg (NM_001278617.2); short protein forms Q117R, Q137R.
Identifiers: ClinVar variation 2451252 (VCV002451252.2), dbSNP rs2468035679, ClinGen allele CA348220307.

ClinVar aggregate classification (germline): Uncertain significance (1 of 4 stars; one submission).

Submission:

Ambry Genetics
Classification: Uncertain significance. Last evaluated: 2023-01-11. Review status: criteria provided, single submitter. Criteria: Ambry Variant Classification Scheme 2023. Collection method: clinical testing. Allele origin: germline.
Comment: The p.Q137R variant (also known as c.410A>G), located in coding exon 4 of the BUB1 gene, results from an A to G substitution at nucleotide position 410. The glutamine at codon 137 is replaced by arginine, an amino acid with highly similar properties. This amino acid position is conserved. In addition, this alteration is predicted to be tolerated by in silico analysis. Since supporting evidence is limited at this time, the clinical significance of this alteration remains unclear.